The following is an entry in ClinVar:

NM_001039591.3(USP9X):c.2851G>A (p.Gly951Arg)

Gene: USP9X (ubiquitin specific peptidase 9 X-linked; plus strand). Cytogenetic location: Xp11.4.
Variant type: single nucleotide variant.
Coding change: c.2851G>A on transcript NM_001039591.3 (MANE Select); coding-DNA position 2851, G replaced by A.
Protein change: p.Gly951Arg; replaces glycine 951 with arginine.
Molecular consequence: missense variant.
Genome position (GRCh38, 1-based): chrX:41,170,209, G>A. VCF-style: chrX-41170209-G-A. GRCh37 (hg19) VCF-style: chrX-41029462-G-A.
Other names: c.2851G>A, p.Gly951Arg (NM_001039590.3); c.2866G>A, p.Gly956Arg (NM_001410748.1, NM_001410749.1, NM_001437534.1); short protein forms G951R, G956R.
Identifiers: ClinVar variation 4686455 (VCV004686455.1).

ClinVar aggregate classification (germline): Uncertain significance (1 of 4 stars; one submission).

Submission:

GeneDx
Classification: Uncertain significance. Last evaluated: 2025-07-18. Review status: criteria provided, single submitter. Criteria: GeneDx Variant Classification Process June 2021. Collection method: clinical testing. Allele origin: germline. Affected: yes.
Comment: Not observed at significant frequency in large population cohorts (gnomAD); In silico analysis supports that this missense variant has a deleterious effect on protein structure/function; In silico analysis is inconclusive as to whether the variant alters gene splicing. In the absence of RNA/functional studies, the actual effect of this sequence change is unknown.; Has not been previously published as pathogenic or benign to our knowledge